The following is an entry in ClinVar:

NM_020884.7(MYH7B):c.2537T>C (p.Leu846Pro)

Gene: MYH7B (myosin heavy chain 7B; plus strand). Cytogenetic location: 20q11.22.
Variant type: single nucleotide variant.
Coding change: c.2537T>C on transcript NM_020884.7 (MANE Select); coding-DNA position 2537, T replaced by C.
Protein change: p.Leu846Pro; replaces leucine 846 with proline.
Molecular consequence: missense variant.
Genome position (GRCh38, 1-based): chr20:34,994,238, T>C. VCF-style: chr20-34994238-T-C. GRCh37 (hg19) VCF-style: chr20-33582041-T-C.
Other names: short protein forms L846P.
Identifiers: ClinVar variation 3714620 (VCV003714620.2).

ClinVar aggregate classification (germline): Uncertain significance (1 of 4 stars; one submission).

gnomAD v4.1: 49 of 1,613,080 alleles (0.003%); highest among the groups gnomAD compares: Non-Finnish European, 0.0038%; no homozygotes.

Submission:

Labcorp Genetics (formerly Invitae), Labcorp
Classification: Uncertain significance. Last evaluated: 2024-04-01. Review status: criteria provided, single submitter. Criteria: Invitae Variant Classification Sherloc (09022015). Collection method: clinical testing. Allele origin: germline.
Comment: This sequence change replaces leucine, which is neutral and non-polar, with proline, which is neutral and non-polar, at codon 888 of the MYH7B protein (p.Leu888Pro). This variant is present in population databases (rs751120348, gnomAD 0.005%). This variant has not been reported in the literature in individuals affected with MYH7B-related conditions. Advanced modeling of protein sequence and biophysical properties (such as structural, functional, and spatial information, amino acid conservation, physicochemical variation, residue mobility, and thermodynamic stability) performed at Invitae indicates that this missense variant is expected to disrupt MYH7B protein function with a positive predictive value of 80%. In summary, the available evidence is currently insufficient to determine the role of this variant in disease. Therefore, it has been classified as a Variant of Uncertain Significance.